The following is an entry in ClinVar:

ClinVar aggregate classification (germline): Conflicting classifications of pathogenicity. Review status: criteria provided, conflicting classifications (1 of 4 stars). 2 submissions from 2 submitters: Uncertain significance (1); Likely benign (1). Last evaluated 2025-10-07.

Conditions:
Familial hypobetalipoproteinemia 1. Also called: APOB-Related Familial Hypobetalipoproteinemia; Hypobetalipoproteinemia, normotriglyceridemic; Acanthocytosis with hypobetalipoproteinemia. Identifiers: MedGen C4551990, MONDO:0014252, OMIM 615558.
Hypercholesterolemia, autosomal dominant, type B (FHCL2). Also called: Familial Hypercholesterolemia Type B; APOLIPOPROTEIN B-100, FAMILIAL DEFECTIVE; APOLIPOPROTEIN B-100, FAMILIAL LIGAND-DEFECTIVE; HYPERCHOLESTEROLEMIA, FAMILIAL, DUE TO LIGAND-DEFECTIVE APOLIPOPROTEIN B; Familial hypercholesterolemia 2; Hyperlipoproteinemia Type IIb. Identifiers: MedGen C1704417, MONDO:0007751, OMIM 144010.
Cardiovascular phenotype. Identifiers: MedGen CN230736.

Allele frequency attached by ClinVar (database versions not stated): ExAC 0.00001.
gnomAD v4.1: 5 of 1,614,028 alleles (0.00031%); highest among the groups gnomAD compares: Non-Finnish European, 0.00042%; no homozygotes.

Submissions (2):

Ambry Genetics
Classification: Likely benign for Cardiovascular phenotype. Last evaluated: 2025-10-07. Review status: criteria provided, single submitter. Criteria: Ambry Variant Classification Scheme 2023. Collection method: clinical testing. Allele origin: germline.

Labcorp Genetics (formerly Invitae), Labcorp
Classification: Uncertain significance for Familial hypobetalipoproteinemia 1; Hypercholesterolemia, autosomal dominant, type B. Last evaluated: 2021-08-02. Review status: criteria provided, single submitter. Criteria: Invitae Variant Classification Sherloc (09022015). Collection method: clinical testing. Allele origin: germline.
Comment: This sequence change replaces arginine with lysine at codon 2969 of the APOB protein (p.Arg2969Lys). The arginine residue is moderately conserved and there is a small physicochemical difference between arginine and lysine. This variant is present in population databases (rs768963343, ExAC 0.001%). This variant has not been reported in the literature in individuals affected with APOB-related conditions. Algorithms developed to predict the effect of missense changes on protein structure and function output the following: SIFT: "Tolerated"; PolyPhen-2: "Benign"; Align-GVGD: "Class C0". The lysine amino acid residue is found in multiple mammalian species, which suggests that this missense change does not adversely affect protein function. In summary, the available evidence is currently insufficient to determine the role of this variant in disease. Therefore, it has been classified as a Variant of Uncertain Significance.

NM_000384.3(APOB):c.8906G>A (p.Arg2969Lys)

Gene: APOB (apolipoprotein B; minus strand). Cytogenetic location: 2p24.1.
Variant type: single nucleotide variant.
Coding change: c.8906G>A on transcript NM_000384.3 (MANE Select); coding-DNA position 8906, G replaced by A.
Protein change: p.Arg2969Lys; replaces arginine 2969 with lysine.
Molecular consequence: missense variant.
Genome position (GRCh38, 1-based): chr2:21,007,962, C>T on the plus strand (G>A on the coding strand, the complement: APOB is on the minus strand). VCF-style: chr2-21007962-C-T. GRCh37 (hg19) VCF-style: chr2-21230834-C-T.
Other names: c.8906G>A (NM_000384.2); short protein forms R2969K.
Identifiers: ClinVar variation 1426703 (VCV001426703.4), dbSNP rs768963343, ClinGen allele CA066111.